The following is an entry in ClinVar:

ClinVar aggregate classification (germline): Uncertain significance (1 of 4 stars; one submission).

Conditions:
Bethlem myopathy 1A. Also called: Bethlem Muscular Dystrophy; MYOPATHY, BENIGN CONGENITAL, WITH CONTRACTURES; Bethlem myopathy 1. Identifiers: Orphanet 610, MedGen CN029274, MONDO:0024530, OMIM 158810.

Submissions (2):

3billion
Classification: Uncertain significance for Bethlem myopathy 1A. Last evaluated: 2023-10-18. Review status: criteria provided, single submitter. Criteria: ACMG Guidelines, 2015. Collection method: clinical testing. Allele origin: germline. Affected: yes.
Comment: The variant is not observed in the gnomAD v2.1.1 dataset. Predicted Consequence/Location: missense variant In silico tool predictions suggest damaging effect of the variant on gene or gene product [REVEL: 0.92 (>=0.6, sensitivity 0.68 and specificity 0.92); 3Cnet: 0.88 (>=0.6, sensitivity 0.72 and precision 0.9)]. Therefore, this variant is classified as VUS according to the recommendation of ACMG/AMP guideline.

Dr. Peter K. Rogan Lab, Western University
No classification provided (evidence only). Condition: Thyroid cancer, nonmedullary, 1. Review status: no classification provided. Collection method: in vitro. Allele origin: not applicable. Functional consequence: retained intron. Not counted in ClinVar's aggregate classification.

NM_004369.4(COL6A3):c.6995G>T (p.Gly2332Val)

Gene: COL6A3 (collagen type VI alpha 3 chain; minus strand). Cytogenetic location: 2q37.3.
Variant type: single nucleotide variant.
Coding change: c.6995G>T on transcript NM_004369.4 (MANE Select); coding-DNA position 6995, G replaced by T.
Protein change: p.Gly2332Val; replaces glycine 2332 with valine.
Molecular consequence: missense variant.
Genome position (GRCh38, 1-based): chr2:237,347,841, C>A on the plus strand (G>T on the coding strand, the complement: COL6A3 is on the minus strand). VCF-style: chr2-237347841-C-A. GRCh37 (hg19) VCF-style: chr2-238256484-C-A.
Other names: NC_000002.11:g.238256484C>A; c.6377G>T, p.Gly2126Val (NM_057167.4); c.5174G>T, p.Gly1725Val (NM_057166.5); short protein forms G1725V, G2126V, G2332V.
Identifiers: ClinVar variation 3775507 (VCV003775507.2).